The following is an entry in ClinVar:

NM_001127671.2(LIFR):c.1301A>G (p.His434Arg)

Gene: LIFR (LIF receptor subunit alpha; minus strand). Cytogenetic location: 5p13.1.
Variant type: single nucleotide variant.
Coding change: c.1301A>G on transcript NM_001127671.2 (MANE Select); coding-DNA position 1301, A replaced by G.
Protein change: p.His434Arg; replaces histidine 434 with arginine.
Molecular consequence: missense variant.
Genome position (GRCh38, 1-based): chr5:38,504,112, T>C on the plus strand (A>G on the coding strand, the complement: LIFR is on the minus strand). VCF-style: chr5-38504112-T-C. GRCh37 (hg19) VCF-style: chr5-38504214-T-C.
Other names: c.1301A>G, p.His434Arg (NM_001364297.2, NM_001364298.2, NM_002310.6); c.1301A>G (NM_002310.5); short protein forms H434R.
Identifiers: ClinVar variation 2058078 (VCV002058078.2), dbSNP rs774226160, ClinGen allele CA3242975.
Genomic context (GRCh38, chr5:38,504,112, plus strand): 5'-TGCCAAGAAAGTTTAACAGCTGTTGAATTAATATCCTTCACTTTGAATGAAGTAGGAGTA[T>C]GGGGATAAACTGCAAATATAATTTTTAAAGATTAAACACTTATTTAAAGGGAAAAACTAT-3'
Protein context (NP_001121143.1, residues 424-444): LVNITEKVYP[His434Arg]TPTSFKVKDI

ClinVar aggregate classification (germline): Uncertain significance. Review status: criteria provided, multiple submitters, no conflicts (2 of 4 stars). 2 submissions from 2 submitters: Uncertain significance (2). Last evaluated 2025-08-11.

Conditions:
Inborn genetic diseases. Identifiers: MedGen C0950123, MeSH D030342.

Allele frequency attached by ClinVar (database versions not stated): ExAC 0.00001; gnomAD 0.00006.
gnomAD v4.1: 14 of 1,565,412 alleles (0.00089%); highest among the groups gnomAD compares: African/African-American, 0.015%; 1 homozygote.

Submissions (2):

Ambry Genetics
Classification: Uncertain significance for Inborn genetic diseases. Last evaluated: 2025-08-11. Review status: criteria provided, single submitter. Criteria: Ambry Variant Classification Scheme 2023. Collection method: clinical testing. Allele origin: germline.

Labcorp Genetics (formerly Invitae), Labcorp
Classification: Uncertain significance. Last evaluated: 2022-02-03. Review status: criteria provided, single submitter. Criteria: Invitae Variant Classification Sherloc (09022015). Collection method: clinical testing. Allele origin: germline.
Comment: This sequence change replaces histidine, which is basic and polar, with arginine, which is basic and polar, at codon 434 of the LIFR protein (p.His434Arg). This variant is present in population databases (rs774226160, gnomAD 0.02%). This variant has not been reported in the literature in individuals affected with LIFR-related conditions. Algorithms developed to predict the effect of missense changes on protein structure and function output the following: SIFT: "Tolerated"; PolyPhen-2: "Benign"; Align-GVGD: "Class C0". The arginine amino acid residue is found in multiple mammalian species, which suggests that this missense change does not adversely affect protein function. In summary, the available evidence is currently insufficient to determine the role of this variant in disease. Therefore, it has been classified as a Variant of Uncertain Significance.